The following is an entry in ClinVar:

NM_000122.2(ERCC3):c.971del (p.Leu324fs)

Gene: ERCC3 (ERCC excision repair 3, TFIIH core complex helicase subunit; minus strand). Cytogenetic location: 2q14.3.
Variant type: Deletion.
Coding change: c.971del on transcript NM_000122.2 (MANE Select); coding-DNA position 971, one base deleted (T; older notation c.971delT).
Protein change: p.Leu324fs; shifts the reading frame from leucine 324.
Molecular consequence: frameshift variant.
Genome position (GRCh38, 1-based): chr2:127,288,716, A deleted on the plus strand (T on the coding strand, the reverse complement: ERCC3 is on the minus strand); the first of 2 consecutive A bases (chr2:127,288,716-127,288,717); deleting either gives the same sequence. VCF-style (leftmost placement, unchanged base first): chr2-127288715-CA-C. GRCh37 (hg19) VCF-style: chr2-128046291-CA-C.
Other names: c.779del, p.Leu260fs (NM_001303416.2, NM_001303418.2); short protein forms L260fs, L324fs.
Identifiers: ClinVar variation 2832554 (VCV002832554.3), dbSNP rs2468056985, ClinGen allele CA2739271200.

ClinVar aggregate classification (germline): Pathogenic (1 of 4 stars; one submission).

Submission:

Labcorp Genetics (formerly Invitae), Labcorp
Classification: Pathogenic. Last evaluated: 2023-01-28. Review status: criteria provided, single submitter. Criteria: Invitae Variant Classification Sherloc (09022015). Collection method: clinical testing. Allele origin: germline.
Comment: This variant is not present in population databases (gnomAD no frequency). This variant has not been reported in the literature in individuals affected with ERCC3-related conditions. For these reasons, this variant has been classified as Pathogenic. This sequence change creates a premature translational stop signal (p.Leu324Cysfs*28) in the ERCC3 gene. It is expected to result in an absent or disrupted protein product. Loss-of-function variants in ERCC3 are known to be pathogenic (PMID: 16947863).

Literature cited by the submitters: PubMed 16947863.